The following is an entry in ClinVar:

NM_002439.5(MSH3):c.3039_3042del (p.Cys1015fs)

Gene: MSH3 (mutS homolog 3; plus strand). Cytogenetic location: 5q14.1.
Variant type: Deletion.
Coding change: c.3039_3042del on transcript NM_002439.5 (MANE Select); coding-DNA positions 3039 to 3042, 4 bases deleted (AGTT; older notation c.3039_3042delAGTT).
Protein change: p.Cys1015fs; shifts the reading frame from cysteine 1015.
Molecular consequence: frameshift variant.
Genome position (GRCh38, 1-based): chr5:80,864,851-80,864,854, AGTT deleted. VCF-style (leftmost placement, unchanged base first): chr5-80864850-CAGTT-C. GRCh37 (hg19) VCF-style: chr5-80160669-CAGTT-C.
Other names: short protein forms C1015fs.
Identifiers: ClinVar variation 2673549 (VCV002673549.1), dbSNP rs2478789116, ClinGen allele CA2695198691.

ClinVar aggregate classification (germline): Pathogenic (1 of 4 stars; one submission).

Conditions:
Familial adenomatous polyposis 4 (FAP4). Also called: MSH3-related attenuated familial adenomatous polyposis. Identifiers: Orphanet 480536, MedGen C4310719, MONDO:0044300, OMIM 617100.

Submission:

Myriad Genetics, Inc.
Classification: Pathogenic for Familial adenomatous polyposis 4. Last evaluated: 2023-08-31. Review status: criteria provided, single submitter. Criteria: Myriad Autosomal Dominant, Autosomal Recessive and X-Linked Classification Criteria (2023). Collection method: clinical testing. Allele origin: unknown.
Comment: This variant is considered pathogenic. This variant creates a frameshift predicted to result in premature protein truncation.